The following is an entry in ClinVar:

ClinVar aggregate classification (germline): Uncertain significance (1 of 4 stars; one submission).

Conditions:
Developmental and epileptic encephalopathy, 30 (DEE30). Also called: Epileptic encephalopathy, early infantile, 30. Identifiers: MedGen C4225360, MONDO:0014595, OMIM 616341.

Submission:

Labcorp Genetics (formerly Invitae), Labcorp
Classification: Uncertain significance for Developmental and epileptic encephalopathy, 30. Last evaluated: 2024-02-24. Review status: criteria provided, single submitter. Criteria: Invitae Variant Classification Sherloc (09022015). Collection method: clinical testing. Allele origin: germline.
Comment: This variant, c.372_374dup, results in the insertion of 1 amino acid(s) of the SIK1 protein (p.Asn124_Glu125insAsp), but otherwise preserves the integrity of the reading frame. This variant is not present in population databases (gnomAD no frequency). This variant has not been reported in the literature in individuals affected with SIK1-related conditions. ClinVar contains an entry for this variant (Variation ID: 1346262). Experimental studies and prediction algorithms are not available or were not evaluated, and the functional significance of this variant is currently unknown. In summary, the available evidence is currently insufficient to determine the role of this variant in disease. Therefore, it has been classified as a Variant of Uncertain Significance.

NM_173354.5(SIK1):c.372_374dup (p.Asn124_Glu125insAsp)

Gene: SIK1 (salt inducible kinase 1; minus strand). Cytogenetic location: 21q22.3.
Variant type: Duplication.
Coding change: c.372_374dup on transcript NM_173354.5 (MANE Select); coding-DNA positions 372 to 374, 3 bases duplicated (CGA; older notation c.372_374dupCGA).
Protein change: p.Asn124_Glu125insAsp.
Molecular consequence: inframe insertion.
Genome position (GRCh38, 1-based): chr21:43,421,763-43,421,765, TCG duplicated on the plus strand (CGA on the coding strand, the reverse complement: SIK1 is on the minus strand); duplicating any 3 consecutive bases within chr21:43,421,763-43,421,766 gives the same sequence; the c. name uses the placement nearest the transcript's 3' end. VCF-style (leftmost placement, unchanged base first): chr21-43421762-C-CTCG. GRCh37 (hg19) VCF-style: chr21-44841642-C-CTCG.
Identifiers: ClinVar variation 1346262 (VCV001346262.8), dbSNP rs2146474183, ClinGen allele CA2573157504.
Genomic context (GRCh38, chr21:43,421,762, plus strand): 5'-GATGTGATGGTCGTGACAGTACTCCACGGCCGACAGGATTTGCCAGAACTTCTTCCGCGC[C>CTCG]TCGTTCTCACTCAGGTGCCCGTTGGAAGTCAAATAATCTGAGGAGCCACAAAACAAAGCT-3'